The following is an entry in ClinVar:

ClinVar aggregate classification (germline): Uncertain significance (1 of 4 stars; one submission).

Submission:

GeneDx
Classification: Uncertain significance. Last evaluated: 2024-06-10. Review status: criteria provided, single submitter. Criteria: GeneDx Variant Classification Process June 2021. Collection method: clinical testing. Allele origin: germline. Affected: yes.
Comment: Not observed at significant frequency in large population cohorts (gnomAD); In silico analysis indicates that this missense variant does not alter protein structure/function; Has not been previously published as pathogenic or benign to our knowledge

NM_000141.5(FGFR2):c.1183G>A (p.Val395Ile)

Gene: FGFR2 (fibroblast growth factor receptor 2; minus strand). Cytogenetic location: 10q26.13.
Variant type: single nucleotide variant.
Coding change: c.1183G>A on transcript NM_000141.5 (MANE Select); coding-DNA position 1183, G replaced by A.
Protein change: p.Val395Ile; replaces valine 395 with isoleucine.
Molecular consequence: missense variant. On other transcripts: non-coding transcript variant (1), intron variant (1).
Genome position (GRCh38, 1-based): chr10:121,515,221, C>T on the plus strand (G>A on the coding strand, the complement: FGFR2 is on the minus strand). VCF-style: chr10-121515221-C-T. GRCh37 (hg19) VCF-style: chr10-123274735-C-T.
Other names: c.1186G>A, p.Val396Ile (NM_001144913.1, NM_022970.4); c.847G>A, p.Val283Ile (NM_001144914.1); c.916G>A, p.Val306Ile (NM_001144915.2, NM_023029.3); c.838G>A, p.Val280Ile (NM_001144916.2, NM_001144918.2); c.919G>A, p.Val307Ile (NM_001144919.2); c.499G>A, p.Val167Ile (NM_001320654.2); c.1183G>A, p.Val395Ile (NM_001320658.2); c.939+4758G>A (NM_001144917.2); short protein forms V167I, V280I, V283I, V306I, V307I, V395I, V396I.
Identifiers: ClinVar variation 3390700 (VCV003390700.1).